The following is an entry in ClinVar:

NM_032018.7(SPRTN):c.1246_1247del (p.Val416fs)

Gene: SPRTN (SprT-like N-terminal domain; plus strand). Cytogenetic location: 1q42.2.
Variant type: Deletion.
Coding change: c.1246_1247del on transcript NM_032018.7 (MANE Select); coding-DNA positions 1246 to 1247, 2 bases deleted (GT; older notation c.1246_1247delGT).
Protein change: p.Val416fs; shifts the reading frame from valine 416.
Molecular consequence: frameshift variant. On other transcripts: 3 prime UTR variant (2).
Genome position (GRCh38, 1-based): chr1:231,353,137-231,353,138, GT deleted; deleting any 2 consecutive bases within chr1:231,353,136-231,353,138 gives the same sequence; the c. name uses the placement nearest the transcript's 3' end. VCF-style (leftmost placement, unchanged base first): chr1-231353135-CTG-C. GRCh37 (hg19) VCF-style: chr1-231488881-CTG-C.
Other names: c.*1531_*1532del (NM_001010984.4, NM_001261462.3); short protein forms V416fs.
Identifiers: ClinVar variation 3239648 (VCV003239648.2).

ClinVar aggregate classification (germline): Likely pathogenic (1 of 4 stars; one submission).

Conditions:
Oligospermia. Identifiers: MedGen C0028960, MeSH D009845, MONDO:0001913.
Reduced sperm motility. Also called: asthenozoospermia. Identifiers: MedGen C4082176, HP:0012207.
Abnormal sperm morphology. Also called: Teratozoospermia. Identifiers: MedGen C0403824, HP:0012864.

Submission:

Huzhibin Lab, Nanjing Medical University
Classification: Likely pathogenic for Oligozoospermia; Reduced sperm motility; Abnormal sperm morphology. Review status: criteria provided, single submitter. Criteria: ACMG Guidelines, 2015. Collection method: research. Allele origin: germline. Inheritance: Autosomal recessive inheritance. Affected: yes. Observed: 1 variant allele, 1 homozygote.
Comment: Criteria:PS4,PM4,PP3 The variant we found here is a rare homozygous LoF variant that was not found in the control population. It can lead to change in the length of protein, and it was also predicted to be pathogenic by multiple algorithms,such as CADD(23.6), AlphaMissense(Pathogenic).